The following is an entry in ClinVar:

ClinVar aggregate classification (germline): Uncertain significance (1 of 4 stars; one submission).

Submission:

GeneDx
Classification: Uncertain significance. Last evaluated: 2024-12-21. Review status: criteria provided, single submitter. Criteria: GeneDx Variant Classification Process June 2021. Collection method: clinical testing. Allele origin: germline. Affected: yes.
Comment: Not observed at significant frequency in large population cohorts (gnomAD); In silico analysis supports that this missense variant has a deleterious effect on protein structure/function; Has not been previously published as pathogenic or benign to our knowledge.

NM_012247.5(SEPHS1):c.874A>G (p.Asn292Asp)

Gene: SEPHS1 (selenophosphate synthetase 1; minus strand). Cytogenetic location: 10p13.
Variant type: single nucleotide variant.
Coding change: c.874A>G on transcript NM_012247.5 (MANE Select); coding-DNA position 874, A replaced by G.
Protein change: p.Asn292Asp; replaces asparagine 292 with aspartic acid.
Molecular consequence: missense variant. On other transcripts: non-coding transcript variant (1), intron variant (1).
Genome position (GRCh38, 1-based): chr10:13,322,925, T>C on the plus strand (A>G on the coding strand, the complement: SEPHS1 is on the minus strand). VCF-style: chr10-13322925-T-C. GRCh37 (hg19) VCF-style: chr10-13364925-T-C.
Other names: c.673A>G, p.Asn225Asp (NM_001195602.2); c.868A>G, p.Asn290Asp (NM_001375769.1); c.752-3569A>G (NM_001195604.2); short protein forms N225D, N290D, N292D.
Identifiers: ClinVar variation 3906322 (VCV003906322.1).